The following is an entry in ClinVar:

ClinVar aggregate classification (germline): Uncertain significance (1 of 4 stars; one submission).

Conditions:
Emery-Dreifuss muscular dystrophy 5, autosomal dominant (EDMD5). Also called: EMERY-DREIFUSS MUSCULAR DYSTROPHY 5. Identifiers: Orphanet 261, MedGen C2751805, MONDO:0013072, OMIM 612999.

Submission:

Labcorp Genetics (formerly Invitae), Labcorp
Classification: Uncertain significance for Emery-Dreifuss muscular dystrophy 5, autosomal dominant. Last evaluated: 2022-02-11. Review status: criteria provided, single submitter. Criteria: Invitae Variant Classification Sherloc (09022015). Collection method: clinical testing. Allele origin: germline.
Comment: In summary, the available evidence is currently insufficient to determine the role of this variant in disease. Therefore, it has been classified as a Variant of Uncertain Significance. Algorithms developed to predict the effect of missense changes on protein structure and function are either unavailable or do not agree on the potential impact of this missense change (SIFT: "Tolerated"; PolyPhen-2: "Probably Damaging"; Align-GVGD: "Class C0"). This variant has not been reported in the literature in individuals affected with SYNE2-related conditions. This variant is not present in population databases (gnomAD no frequency). This sequence change replaces glutamic acid, which is acidic and polar, with lysine, which is basic and polar, at codon 1711 of the SYNE2 protein (p.Glu1711Lys).

NM_182914.3(SYNE2):c.5131G>A (p.Glu1711Lys)

Gene: SYNE2 (spectrin repeat containing nuclear envelope protein 2; plus strand). Cytogenetic location: 14q23.2.
Variant type: single nucleotide variant.
Coding change: c.5131G>A on transcript NM_182914.3 (MANE Select); coding-DNA position 5131, G replaced by A.
Protein change: p.Glu1711Lys; replaces glutamic acid 1711 with lysine.
Molecular consequence: missense variant.
Genome position (GRCh38, 1-based): chr14:64,020,073, G>A. VCF-style: chr14-64020073-G-A. GRCh37 (hg19) VCF-style: chr14-64486791-G-A.
Other names: c.5131G>A, p.Glu1711Lys (NM_015180.6); short protein forms E1711K.
Identifiers: ClinVar variation 2096405 (VCV002096405.4), dbSNP rs2551083434, ClinGen allele CA389939690.